The following is an entry in ClinVar:

ClinVar aggregate classification (germline): Conflicting classifications of pathogenicity. Review status: criteria provided, conflicting classifications (1 of 4 stars). 3 submissions from 3 submitters: Uncertain significance (1); Benign (1). 1 of the submissions does not count toward it. Last evaluated 2026-01-26.

Conditions:
Primary ciliary dyskinesia. Also called: Ciliary dyskinesia. Identifiers: Orphanet 244, MedGen C0008780, MONDO:0016575, HP:0012265.

Allele frequency attached by ClinVar (database versions not stated): gnomAD exomes 0.00001 and 0.00003; ExAC 0.00006; 1000 Genomes Project 30x 0.00016; gnomAD 0.00017 and 0.00019; TOPMed 0.00017; 1000 Genomes Project 0.00020; ESP Exome Variant Server 0.00031.
gnomAD v4.1: 41 of 1,614,160 alleles (0.0025%); highest among the groups gnomAD compares: African/African-American, 0.051%; no homozygotes.

Submissions (3):

Labcorp Genetics (formerly Invitae), Labcorp
Classification: Benign for Primary ciliary dyskinesia. Last evaluated: 2026-01-26. Review status: criteria provided, single submitter. Criteria: Invitae Variant Classification Sherloc (09022015). Collection method: clinical testing. Allele origin: germline.

Ambry Genetics
Classification: Uncertain significance for Primary ciliary dyskinesia. Last evaluated: 2015-03-02. Review status: criteria provided, single submitter. Criteria: Ambry Variant Classification Scheme 2023. Collection method: clinical testing. Allele origin: germline.
Comment: The p.V2129L variant (also known as c.6385G>C), located in coding exon 38 of the DNAH5 gene, results from a G to C substitution at nucleotide position 6385. The valine at codon 2129 is replaced by leucine, an amino acid with highly similar properties. This variant was previously reported in the SNPDatabase as rs150095347. Based on data from the NHLBI Exome Sequencing Project (ESP), the C allele has an overall frequency of approximately 0.03% (4/13006) total alleles studied, having been observed in 0.09% (4/4406) African American alleles. This amino acid position is highly conserved in vertebrate species except the fish. In addition, this alteration is predicted to be tolerated by in silico analysis. Since supporting evidence is limited at this time, the clinical significance of this variant remains unclear.

Natera, Inc.
Classification: Uncertain significance for Primary ciliary dyskinesia. Last evaluated: 2020-07-15. Review status: no assertion criteria provided. Collection method: clinical testing. Allele origin: germline. Not counted in ClinVar's aggregate classification.

NM_001369.3(DNAH5):c.6385G>C (p.Val2129Leu)

Gene: DNAH5 (dynein axonemal heavy chain 5; minus strand). Cytogenetic location: 5p15.2.
Variant type: single nucleotide variant.
Coding change: c.6385G>C on transcript NM_001369.3 (MANE Select); coding-DNA position 6385, G replaced by C.
Protein change: p.Val2129Leu; replaces valine 2129 with leucine.
Molecular consequence: missense variant.
Genome position (GRCh38, 1-based): chr5:13,829,569, C>G on the plus strand (G>C on the coding strand, the complement: DNAH5 is on the minus strand). VCF-style: chr5-13829569-C-G. GRCh37 (hg19) VCF-style: chr5-13829678-C-G.
Other names: c.6385G>C (NM_001369.2); short protein forms V2129L.
Identifiers: ClinVar variation 1052611 (VCV001052611.11), dbSNP rs150095347, ClinGen allele CA3203420.
Genomic context (GRCh38, chr5:13,829,569, plus strand): 5'-CCTGCTTAGAAAGCTGCTCCTCACACAGTTTGTAGAGCGTGAAAAACTTCCTGGCCAAAA[C>G]AACGTTGTCAATGAAGCCACAACTAGCCAACTTCACCCTTATGATAATCTGACGGTCAGG-3'
Protein context (NP_001360.1, residues 2119-2139): LASCGFIDNV[Val2129Leu]LARKFFTLYK